The following is an entry in ClinVar:

NM_004183.4(BEST1):c.1175G>A (p.Arg392His)

Gene: BEST1 (bestrophin 1; plus strand). Cytogenetic location: 11q12.3.
Variant type: single nucleotide variant.
Coding change: c.1175G>A on transcript NM_004183.4 (MANE Select); coding-DNA position 1175, G replaced by A.
Protein change: p.Arg392His; replaces arginine 392 with histidine.
Molecular consequence: missense variant. On other transcripts: non-coding transcript variant (1).
Genome position (GRCh38, 1-based): chr11:61,962,329, G>A. VCF-style: chr11-61962329-G-A. GRCh37 (hg19) VCF-style: chr11-61729801-G-A.
Other names: c.995G>A, p.Arg332His (NM_001139443.3, NM_001300787.2); c.914G>A, p.Arg305His (NM_001300786.2); c.857G>A, p.Arg286His (NM_001363591.3); c.*70G>A (NM_001363592.2); c.203G>A, p.Arg68His (NM_001363593.3); short protein forms R286H, R305H, R332H, R392H, R68H.
Identifiers: ClinVar variation 2414963 (VCV002414963.7), dbSNP rs201225558, ClinGen allele CA6041014.

ClinVar aggregate classification (germline): Uncertain significance. Review status: criteria provided, multiple submitters, no conflicts (2 of 4 stars). 2 submissions from 2 submitters: Uncertain significance (2). Last evaluated 2025-11-23.

Allele frequency attached by ClinVar (database versions not stated): ExAC 0.00006; TOPMed 0.00010; gnomAD 0.00011; gnomAD exomes 0.00013; ESP Exome Variant Server 0.00015; 1000 Genomes Project 0.00020; 1000 Genomes Project 30x 0.00031.
gnomAD v4.1: 202 of 1,614,152 alleles (0.013%); highest among the groups gnomAD compares: Middle Eastern, 0.016%; no homozygotes.

Submissions (2):

Labcorp Genetics (formerly Invitae), Labcorp
Classification: Uncertain significance. Last evaluated: 2025-11-23. Review status: criteria provided, single submitter. Criteria: Invitae Variant Classification Sherloc (09022015). Collection method: clinical testing. Allele origin: germline.
Comment: This sequence change replaces arginine, which is basic and polar, with histidine, which is basic and polar, at codon 392 of the BEST1 protein (p.Arg392His). This variant is present in population databases (rs201225558, gnomAD 0.02%). This variant has not been reported in the literature in individuals affected with BEST1-related conditions. ClinVar contains an entry for this variant (Variation ID: 2414963). An algorithm developed to predict the effect of missense changes on protein structure and function outputs the following: PolyPhen-2: "Benign". The histidine amino acid residue is found in multiple mammalian species, which suggests that this missense change does not adversely affect protein function. In summary, the available evidence is currently insufficient to determine the role of this variant in disease. Therefore, it has been classified as a Variant of Uncertain Significance.

Blueprint Genetics
Classification: Uncertain significance. Last evaluated: 2023-11-06. Review status: criteria provided, single submitter. Criteria: ACMG Guidelines, 2015. Collection method: clinical testing. Allele origin: germline.